The following is an entry in ClinVar:

NM_003738.5(PTCH2):c.3258-5_3258-3delinsTAGTACCTAGG

Gene: PTCH2 (patched 2; minus strand). Cytogenetic location: 1p34.1.
Variant type: Indel.
Coding change: c.3258-5_3258-3delinsTAGTACCTAGG on transcript NM_003738.5 (MANE Select); 5 bases into the intron before coding-DNA position 3258 through 3 bases into the intron before coding-DNA position 3258, CCT replaced by TAGTACCTAGG.
Molecular consequence: intron variant.
Genome position (GRCh38, 1-based): chr1:44,823,171-44,823,173, AGG replaced by CCTAGGTACTA on the plus strand (CCT replaced by TAGTACCTAGG on the coding strand, the reverse complement: PTCH2 is on the minus strand). VCF-style: chr1-44823171-AGG-CCTAGGTACTA. GRCh37 (hg19) VCF-style: chr1-45288843-AGG-CCTAGGTACTA.
Other names: c.3258-5_3258-3delinsTAGTACCTAGG (NM_001166292.2).
Identifiers: ClinVar variation 968655 (VCV000968655.5), dbSNP rs1652986505, ClinGen allele CA1139656084.

ClinVar aggregate classification (germline): Uncertain significance (1 of 4 stars; one submission).

Conditions:
Gorlin syndrome. Also called: Nevoid Basal Cell Carcinoma Syndrome; Basal cell nevus syndrome. Identifiers: Orphanet 377, MedGen C0004779, MONDO:0007187.

Submission:

Labcorp Genetics (formerly Invitae), Labcorp
Classification: Uncertain significance for Gorlin syndrome. Last evaluated: 2021-09-29. Review status: criteria provided, single submitter. Criteria: Invitae Variant Classification Sherloc (09022015). Collection method: clinical testing. Allele origin: germline.
Comment: In summary, the available evidence is currently insufficient to determine the role of this variant in disease. Therefore, it has been classified as a Variant of Uncertain Significance. Algorithms developed to predict the effect of sequence changes on RNA splicing suggest that this variant may disrupt the consensus splice site. This variant has not been reported in the literature in individuals affected with PTCH2-related conditions. The frequency data for this variant in the population databases is considered unreliable, as metrics indicate poor data quality at this position in the ExAC database. This sequence change falls in intron 20 of the PTCH2 gene. It does not directly change the encoded amino acid sequence of the PTCH2 protein. It affects a nucleotide within the consensus splice site of the intron.